The following is an entry in ClinVar:

NM_004360.5(CDH1):c.832+2T>A

Gene: CDH1 (cadherin 1; plus strand). Cytogenetic location: 16q22.1.
Variant type: single nucleotide variant.
Coding change: c.832+2T>A on transcript NM_004360.5 (MANE Select); the canonical splice donor site of the intron after coding-DNA position 832, T replaced by A.
Molecular consequence: splice donor variant.
Genome position (GRCh38, 1-based): chr16:68,810,343, T>A. VCF-style: chr16-68810343-T-A. GRCh37 (hg19) VCF-style: chr16-68844246-T-A.
Other names: c.-784+2T>A (NM_001317185.2); c.-988+2T>A (NM_001317186.2); c.832+2T>A (NM_001317184.2).
Identifiers: ClinVar variation 4868410 (VCV004868410.1).
Genomic context (GRCh38, chr16:68,810,343, plus strand): 5'-CAAGCCCGAATTCACCCAGGAGGTCTTTAAGGGGTCTGTCATGGAAGGTGCTCTTCCAGG[T>A]ATATCCACTAATGAGAATCTGAATACTCAGAAAGACTCTTAGGTTCTTTGGACCCCAAAG-3'

ClinVar aggregate classification (germline): Likely pathogenic (1 of 4 stars; one submission).

Conditions:
Hereditary cancer-predisposing syndrome. Also called: Neoplastic Syndromes, Hereditary; Tumor predisposition; Hereditary Cancer Syndrome; Hereditary neoplastic syndrome. Identifiers: Orphanet 140162, MedGen C0027672, MeSH D009386, MONDO:0015356.

Submission:

Ambry Genetics
Classification: Likely pathogenic for Hereditary cancer-predisposing syndrome. Last evaluated: 2026-05-22. Review status: criteria provided, single submitter. Criteria: Ambry Variant Classification Scheme 2023. Collection method: clinical testing. Allele origin: germline.
Comment: The c.832+2T>A intronic variant results from a T to A substitution two nucleotides after coding exon 6 in the CDH1 gene. This nucleotide position is highly conserved in available vertebrate species. In silico splice site analysis predicts that this alteration will weaken the native splice donor site and will result in the creation or strengthening of a novel splice donor site; however, direct evidence is insufficient at this time (Ambry internal data). Variants that disrupt the canonical splice site are expected to cause aberrant splicing, resulting in an abnormal protein or a transcript that is subject to nonsense-mediated mRNA decay. As such, this variant is classified as likely pathogenic.